The following is an entry in ClinVar:

ClinVar aggregate classification (germline): Uncertain significance (1 of 4 stars; one submission).

Submission:

Ambry Genetics
Classification: Uncertain significance. Last evaluated: 2022-01-15. Review status: criteria provided, single submitter. Criteria: Ambry Variant Classification Scheme 2023. Collection method: clinical testing. Allele origin: germline.
Comment: The p.I2578L variant (also known as c.7732A>T), located in coding exon 30 of the POLQ gene, results from an A to T substitution at nucleotide position 7732. The isoleucine at codon 2578 is replaced by leucine, an amino acid with highly similar properties. This amino acid position is conserved. In addition, the in silico prediction for this alteration is inconclusive. Since supporting evidence is limited at this time, the clinical significance of this alteration remains unclear.

NM_199420.4(POLQ):c.7732A>T (p.Ile2578Leu)

Gene: POLQ (DNA polymerase theta; minus strand). Cytogenetic location: 3q13.33.
Variant type: single nucleotide variant.
Coding change: c.7732A>T on transcript NM_199420.4 (MANE Select); coding-DNA position 7732, A replaced by T.
Protein change: p.Ile2578Leu; replaces isoleucine 2578 with leucine.
Molecular consequence: missense variant.
Genome position (GRCh38, 1-based): chr3:121,432,345, T>A on the plus strand (A>T on the coding strand, the complement: POLQ is on the minus strand). VCF-style: chr3-121432345-T-A. GRCh37 (hg19) VCF-style: chr3-121151192-T-A.
Other names: short protein forms I2578L.
Identifiers: ClinVar variation 1760364 (VCV001760364.2), dbSNP rs2047501200, ClinGen allele CA354092640.